The following is an entry in ClinVar:

ClinVar aggregate classification (germline): Uncertain significance (1 of 4 stars; one submission).

Conditions:
Dilated cardiomyopathy 1JJ (CMD1JJ). Identifiers: Orphanet 154, MedGen C3808935, MONDO:0014095, OMIM 615235.

Allele frequency attached by ClinVar (database versions not stated): gnomAD 0.00001.
gnomAD v4.1: 2 of 1,613,784 alleles (0.00012%); highest among the groups gnomAD compares: African/African-American, 0.0027%; no homozygotes.

Submission:

Labcorp Genetics (formerly Invitae), Labcorp
Classification: Uncertain significance for Dilated cardiomyopathy 1JJ. Last evaluated: 2022-09-12. Review status: criteria provided, single submitter. Criteria: Invitae Variant Classification Sherloc (09022015). Collection method: clinical testing. Allele origin: germline.
Comment: This sequence change replaces glutamic acid, which is acidic and polar, with lysine, which is basic and polar, at codon 483 of the LAMA4 protein (p.Glu483Lys). This variant is present in population databases (no rsID available, gnomAD 0.01%). This variant has not been reported in the literature in individuals affected with LAMA4-related conditions. Algorithms developed to predict the effect of missense changes on protein structure and function output the following: SIFT: "Tolerated"; PolyPhen-2: "Benign"; Align-GVGD: "Class C0". The lysine amino acid residue is found in multiple mammalian species, which suggests that this missense change does not adversely affect protein function. In summary, the available evidence is currently insufficient to determine the role of this variant in disease. Therefore, it has been classified as a Variant of Uncertain Significance.

NM_001105206.3(LAMA4):c.1468G>A (p.Glu490Lys)

Gene: LAMA4 (laminin subunit alpha 4; minus strand). Cytogenetic location: 6q21.
Variant type: single nucleotide variant.
Coding change: c.1468G>A on transcript NM_001105206.3 (MANE Select); coding-DNA position 1468, G replaced by A.
Protein change: p.Glu490Lys; replaces glutamic acid 490 with lysine.
Molecular consequence: missense variant.
Genome position (GRCh38, 1-based): chr6:112,172,694, C>T on the plus strand (G>A on the coding strand, the complement: LAMA4 is on the minus strand). VCF-style: chr6-112172694-C-T. GRCh37 (hg19) VCF-style: chr6-112493896-C-T.
Other names: c.1447G>A, p.Glu483Lys (NM_001105207.3, NM_002290.5); short protein forms E483K, E490K.
Identifiers: ClinVar variation 1989774 (VCV001989774.4), dbSNP rs1554342281, ClinGen allele CA365370660.
Genomic context (GRCh38, chr6:112,172,694, plus strand): 5'-CTGTGGCCCTGTTCATGTCTTCGGCATCCCTGACATAGTTAAGGGCCTGGTCAAGTGCTT[C>T]CTGGAGATCTGACAACTTAGCATTGTAGTCATCCAGCTGCTCCAGGACGACAGGAAACAG-3'
Protein context (NP_001098676.2, residues 480-500): DYNAKLSDLQ[Glu490Lys]ALDQALNYVR